The following is an entry in ClinVar:

ClinVar aggregate classification (germline): Pathogenic/Likely pathogenic. Review status: criteria provided, multiple submitters, no conflicts (2 of 4 stars). 2 submissions from 2 submitters: Pathogenic (1); Likely pathogenic (1).

Conditions:
Nephronophthisis 12 (NPHP12). Identifiers: Orphanet 655, MedGen C3151186, MONDO:0013442, OMIM 613820.
Asphyxiating thoracic dystrophy 4 (SRTD4). Also called: SHORT-RIB THORACIC DYSPLASIA 4 WITH OR WITHOUT POLYDACTYLY; SHORT-RIB THORACIC DYSPLASIA 4. Identifiers: Orphanet 474, MedGen C3151185, MONDO:0013441, OMIM 613819.

Submissions (2):

Juno Genomics, Hangzhou Juno Genomics, Inc
Classification: Likely pathogenic for Nephronophthisis 12; Asphyxiating thoracic dystrophy 4. Review status: criteria provided, single submitter. Criteria: ACMG Guidelines, 2015. Collection method: clinical testing. Allele origin: germline.
Comment: Absent from controls (or at extremely low frequency if recessive) in Genome Aggregation Database.;Null variant in a gene where loss of function (LOF) is a known mechanism of disease.

Precision Medicine Center, Zhengzhou University
Classification: Pathogenic for Nephronophthisis 12. Review status: criteria provided, single submitter. Criteria: ACMG Guidelines, 2015. Collection method: research. Allele origin: germline. Affected: yes.
Comment: PVS1:Null variant in the gene with established LOF as a disease mechanism PM2:not found in gnomAD PP3:Multiple lines of computational evidence support a deleterious effect on the gene or gene product

NM_024753.5(TTC21B):c.497del (p.Lys166fs)

Genes: TTC21B (tetratricopeptide repeat domain 21B; minus strand), TTC21B-AS1 (TTC21B antisense RNA 1; plus strand). Cytogenetic location: 2q24.3.
Variant type: Deletion.
Coding change: c.497del on transcript NM_024753.5 (MANE Select); coding-DNA position 497, one base deleted (A; older notation c.497delA).
Protein change: p.Lys166fs; shifts the reading frame from lysine 166.
Molecular consequence: frameshift variant.
Genome position (GRCh38, 1-based): chr2:165,943,274, T deleted on the plus strand (A on the coding strand, the reverse complement: TTC21B is on the minus strand); the first of 2 consecutive T bases (chr2:165,943,274-165,943,275); deleting either gives the same sequence. VCF-style (leftmost placement, unchanged base first): chr2-165943273-CT-C. GRCh37 (hg19) VCF-style: chr2-166799783-CT-C.
Other names: short protein forms K166fs.
Identifiers: ClinVar variation 1077012 (VCV001077012.4), dbSNP rs2105363277, ClinGen allele CA2499215171.